The following is an entry in ClinVar:

NM_000053.4(ATP7B):c.2398G>A (p.Ala800Thr)

Gene: ATP7B (ATPase copper transporting beta; minus strand). Cytogenetic location: 13q14.3.
Variant type: single nucleotide variant.
Coding change: c.2398G>A on transcript NM_000053.4 (MANE Select); coding-DNA position 2398, G replaced by A.
Protein change: p.Ala800Thr; replaces alanine 800 with threonine.
Molecular consequence: missense variant. On other transcripts: intron variant (1).
Genome position (GRCh38, 1-based): chr13:51,957,565, C>T on the plus strand (G>A on the coding strand, the complement: ATP7B is on the minus strand). VCF-style: chr13-51957565-C-T. GRCh37 (hg19) VCF-style: chr13-52531701-C-T.
Other names: c.2164G>A, p.Ala722Thr (NM_001406534.1, NM_001406538.1, NM_001330578.2 and 2 more transcripts); c.2398G>A, p.Ala800Thr (NM_001406535.1, NM_001406511.1, NM_001406512.1 and 7 more transcripts); c.2068G>A, p.Ala690Thr (NM_001406536.1); c.2254G>A, p.Ala752Thr (NM_001406537.1, NM_001406520.1, NM_001406521.1 and 1 more transcripts); c.1969G>A, p.Ala657Thr (NM_001406539.1); c.2146G>A, p.Ala716Thr (NM_001406540.1, NM_001330579.2, NM_001406531.1 and 1 more transcripts); c.1912G>A, p.Ala638Thr (NM_001406541.1, NM_001406542.1, NM_001005918.3 and 1 more transcripts); c.2050G>A, p.Ala684Thr (NM_001406543.1); and 9 more; short protein forms A584T, A606T, A638T, A657T, A684T, A689T, A690T, A716T.
Identifiers: ClinVar variation 3075611 (VCV003075611.5), dbSNP rs766067775, ClinGen allele CA6989038.

ClinVar aggregate classification (germline): Uncertain significance. Review status: criteria provided, multiple submitters, no conflicts (2 of 4 stars). 4 submissions from 4 submitters: Uncertain significance (4). Last evaluated 2026-07-02.

Conditions:
Inborn genetic diseases. Identifiers: MedGen C0950123, MeSH D030342.
Wilson disease (WND). Also called: Wilson's disease. Identifiers: Orphanet 905, MedGen C0019202, MONDO:0010200, OMIM 277900. Disease mechanism: loss of function.

Allele frequency attached by ClinVar (database versions not stated): gnomAD exomes below 0.00001; ExAC 0.00002.

Submissions (4):

Ambry Genetics
Classification: Uncertain significance for Inborn genetic diseases. Last evaluated: 2026-07-02. Review status: criteria provided, single submitter. Criteria: Ambry Variant Classification Scheme 2023. Collection method: clinical testing. Allele origin: germline.
Comment: The p.A800T variant (also known as c.2398G>A), located in coding exon 9 of the ATP7B gene, results from a G to A substitution at nucleotide position 2398. The alanine at codon 800 is replaced by threonine, an amino acid with similar properties. This amino acid position is conserved. In addition, this alteration is predicted to be deleterious by in silico analysis. Based on the available evidence, the clinical significance of this variant remains unclear.

Women's Health and Genetics/Laboratory Corporation of America, LabCorp
Classification: Uncertain significance. Last evaluated: 2025-07-17. Review status: criteria provided, single submitter. Criteria: LabCorp Variant Classification Summary - May 2015. Collection method: clinical testing. Allele origin: germline.

All of Us Research Program, National Institutes of Health
Classification: Uncertain significance for Wilson disease. Last evaluated: 2024-08-06. Review status: criteria provided, single submitter. Criteria: ACMG Guidelines, 2015. Collection method: clinical testing. Allele origin: germline. Inheritance: Autosomal recessive inheritance. Observed: 5 variant alleles, 5 heterozygotes.
Comment: This missense variant replaces alanine with threonine at codon 800 of the ATP7B protein. Computational prediction suggests that this variant may have deleterious impact on protein structure and function (internally defined REVEL score threshold >= 0.7, PMID: 27666373). To our knowledge, functional studies have not been reported for this variant. This variant has not been reported in individuals affected with Wilson disease in the literature. This variant has been identified in 1/248880 chromosomes in the general population by the Genome Aggregation Database (gnomAD). The available evidence is insufficient to determine the role of this variant in disease conclusively. Therefore, this variant is classified as a Variant of Uncertain Significance.

This study involves interpretation of variants in research participants for the purpose of population health screening. Participant phenotype was not available at the time of variant classification. Additional details can be found in publication PMID: 35346344, PMCID: PMC8962531

Color Diagnostics, LLC DBA Color Health
Classification: Uncertain significance for Wilson disease. Last evaluated: 2024-03-06. Review status: criteria provided, single submitter. Criteria: ACMG Guidelines, 2015. Collection method: clinical testing. Allele origin: germline.
Comment: This missense variant replaces alanine with threonine at codon 800 of the ATP7B protein. Computational prediction suggests that this variant may have deleterious impact on protein structure and function. To our knowledge, functional studies have not been reported for this variant. This variant has not been reported in individuals affected with Wilson disease in the literature. This variant has been identified in 1/248880 chromosomes in the general population by the Genome Aggregation Database (gnomAD). The available evidence is insufficient to determine the role of this variant in disease conclusively. Therefore, this variant is classified as a Variant of Uncertain Significance.